The following is an entry in ClinVar:

NM_006180.6(NTRK2):c.662C>G (p.Ala221Gly)

Gene: NTRK2 (neurotrophic receptor tyrosine kinase 2; plus strand). Cytogenetic location: 9q21.33.
Variant type: single nucleotide variant.
Coding change: c.662C>G on transcript NM_006180.6 (MANE Select); coding-DNA position 662, C replaced by G.
Protein change: p.Ala221Gly; replaces alanine 221 with glycine.
Molecular consequence: missense variant.
Genome position (GRCh38, 1-based): chr9:84,723,651, C>G. VCF-style: chr9-84723651-C-G. GRCh37 (hg19) VCF-style: chr9-87338566-C-G.
Other names: c.662C>G, p.Ala221Gly (NM_001007097.3, NM_001018064.3, NM_001018065.2 and 18 more transcripts); c.194C>G, p.Ala65Gly (NM_001369535.1, NM_001369536.1, NM_001369550.1 and 2 more transcripts); short protein forms A221G, A65G.
Identifiers: ClinVar variation 3899792 (VCV003899792.1).

ClinVar aggregate classification (germline): Uncertain significance (1 of 4 stars; one submission).

Submission:

GeneDx
Classification: Uncertain significance. Last evaluated: 2024-11-18. Review status: criteria provided, single submitter. Criteria: GeneDx Variant Classification Process June 2021. Collection method: clinical testing. Allele origin: germline. Affected: yes.
Comment: Not observed at significant frequency in large population cohorts (gnomAD); In silico analysis indicates that this missense variant does not alter protein structure/function; Has not been previously published as pathogenic or benign to our knowledge